The following is an entry in ClinVar:

ClinVar aggregate classification (germline): Benign/Likely benign. Review status: criteria provided, multiple submitters, no conflicts (2 of 4 stars). 5 submissions from 5 submitters: Benign (3); Likely benign (2). Last evaluated 2025-11-17.

Conditions:
Hereditary cancer-predisposing syndrome. Also called: Neoplastic Syndromes, Hereditary; Hereditary Cancer Syndrome; Tumor predisposition; Hereditary neoplastic syndrome. Identifiers: Orphanet 140162, MedGen C0027672, MeSH D009386, MONDO:0015356.
Tuberous sclerosis syndrome (TSC). Also called: Tuberous Sclerosis Complex; Tuberous sclerosis. Identifiers: Orphanet 805, MedGen C0041341, MONDO:0001734.
Tuberous sclerosis 2 (TSC2). Identifiers: Orphanet 805, MedGen C1860707, MONDO:0013199, OMIM 613254.

Allele frequency attached by ClinVar (database versions not stated): ExAC 0.00001; gnomAD exomes 0.00001 and 0.00002; TOPMed 0.00001.

Submissions (5):

Labcorp Genetics (formerly Invitae), Labcorp
Classification: Benign for Tuberous sclerosis 2. Last evaluated: 2025-11-17. Review status: criteria provided, single submitter. Criteria: Invitae Variant Classification Sherloc (09022015). Collection method: clinical testing. Allele origin: germline.

Color Diagnostics, LLC DBA Color Health
Classification: Benign for Tuberous sclerosis syndrome. Last evaluated: 2023-05-17. Review status: criteria provided, single submitter. Criteria: ACMG Guidelines, 2015. Collection method: clinical testing. Allele origin: germline.

Genome-Nilou Lab
Classification: Benign for Tuberous sclerosis 2. Last evaluated: 2021-11-07. Review status: criteria provided, single submitter. Criteria: ACMG Guidelines, 2015. Collection method: clinical testing. Allele origin: germline. Affected: no.

Ambry Genetics
Classification: Likely benign for Hereditary cancer-predisposing syndrome. Last evaluated: 2019-02-08. Review status: criteria provided, single submitter. Criteria: Ambry Variant Classification Scheme 2023. Collection method: clinical testing. Allele origin: germline.

GeneDx
Classification: Likely benign. Last evaluated: 2015-03-25. Review status: criteria provided, single submitter. Criteria: GeneDx Variant Classification (06012015). Collection method: clinical testing. Allele origin: germline. Affected: yes.
Comment: This variant is considered likely benign or benign based on one or more of the following criteria: it is a conservative change, it occurs at a poorly conserved position in the protein, it is predicted to be benign by multiple in silico algorithms, and/or has population frequency not consistent with disease.

NM_000548.5(TSC2):c.663G>A (p.Val221=)

Gene: TSC2 (TSC complex subunit 2; plus strand). Cytogenetic location: 16p13.3.
Variant type: single nucleotide variant.
Coding change: c.663G>A on transcript NM_000548.5 (MANE Select); coding-DNA position 663, G replaced by A.
Protein change: p.Val221=; no amino-acid change (valine 221 retained).
Molecular consequence: synonymous variant.
Genome position (GRCh38, 1-based): chr16:2,056,658, G>A. VCF-style: chr16-2056658-G-A. GRCh37 (hg19) VCF-style: chr16-2106659-G-A.
Other names: p.V221V:GTG>GTA; c.663G>A, p.Val221= (NM_001077183.3, NM_001114382.3, NM_001363528.2 and 3 more transcripts); c.552G>A, p.Val184= (NM_001318827.2); c.516G>A, p.Val172= (NM_001318829.2); c.63G>A, p.Val21= (NM_001318831.2); c.696G>A, p.Val232= (NM_001318832.2).
Identifiers: ClinVar variation 207768 (VCV000207768.19), dbSNP rs774115464, ClinGen allele CA056077.